The following is an entry in ClinVar:

ClinVar aggregate classification (germline): Benign (1 of 4 stars; one submission).

Submission:

GeneDx
Classification: Benign. Last evaluated: 2012-12-04. Review status: criteria provided, single submitter. Criteria: GeneDx Variant Classification (06012015). Collection method: clinical testing. Allele origin: germline. Affected: yes.
Comment: This variant is considered likely benign or benign based on one or more of the following criteria: it is a conservative change, it occurs at a poorly conserved position in the protein, it is predicted to be benign by multiple in silico algorithms, and/or has population frequency not consistent with disease.

NM_025215.6(PUS1):c.1221T>G (p.Gly407=)

Gene: PUS1 (pseudouridine synthase 1; plus strand). Cytogenetic location: 12q24.33.
Variant type: single nucleotide variant.
Coding change: c.1221T>G on transcript NM_025215.6 (MANE Select); coding-DNA position 1221, T replaced by G.
Protein change: p.Gly407=; no amino-acid change (glycine 407 retained).
Molecular consequence: synonymous variant.
Genome position (GRCh38, 1-based): chr12:131,941,968, T>G. VCF-style: chr12-131941968-T-G. GRCh37 (hg19) VCF-style: chr12-132426513-T-G.
Other names: p.G407G:GGT>GGG; c.1137T>G, p.Gly379= (NM_001002019.3, NM_001002020.3).
Identifiers: ClinVar variation 138855 (VCV000138855.1), dbSNP rs587781134, ClinGen allele CA292998.
Genomic context (GRCh38, chr12:131,941,968, plus strand): 5'-GGCCCAGTGGCTGAGCACCTTGCCCATCCACAACTTCAGTGCCACCGCTCTCACGGCAGG[T>G]GGCACGGGCGCCAAGGTAGGGGCACAGTCCCAGCAGTGCTCAGCAGAACACAGGCCCACA-3'
Protein context (NP_079491.2, residues 397-417): HNFSATALTA[Gly407=]GTGAKVPSPL